The following is an entry in ClinVar:

ClinVar aggregate classification (germline): Uncertain significance (1 of 4 stars; one submission).

Conditions:
Congenital myasthenic syndrome 13 (CMS13). Also called: Myasthenic syndrome, congenital, 13, with tubular aggregates; Myasthenic syndrome, congenital, with tubular aggregates 2. Identifiers: Orphanet 353327, Orphanet 590, MedGen C3553645, MONDO:0013883, OMIM 614750.

Submission:

Suma Genomics
Classification: Uncertain significance for Congenital myasthenic syndrome 13. Review status: criteria provided, single submitter. Criteria: ACMG Guidelines, 2015. Collection method: clinical testing. Allele origin: germline. Inheritance: Autosomal recessive inheritance. Affected: yes. Observed: 1 variant allele, 1 homozygote.
Comment: This variant is not observed in the gnomAD database. In-silico analysis tool REVEL is consistent in predicting this variant to be disease-causing. ACMG classification: Variant of uncertain significance Criteria met: PM2_Supporting: Extremely low frequency in gnomAD population databases PP3_Moderate: For a missense variant, computational prediction tools unanimously support a deleterious effect on the gene

NM_001382.4(DPAGT1):c.539G>T (p.Cys180Phe)

Gene: DPAGT1 (dolichyl-phosphate N-acetylglucosaminephosphotransferase 1; minus strand). Cytogenetic location: 11q23.3.
Variant type: single nucleotide variant.
Coding change: c.539G>T on transcript NM_001382.4 (MANE Select); coding-DNA position 539, G replaced by T.
Protein change: p.Cys180Phe; replaces cysteine 180 with phenylalanine.
Molecular consequence: missense variant.
Genome position (GRCh38, 1-based): chr11:119,100,366, C>A on the plus strand (G>T on the coding strand, the complement: DPAGT1 is on the minus strand). VCF-style: chr11-119100366-C-A. GRCh37 (hg19) VCF-style: chr11-118971076-C-A.
Other names: short protein forms C180F.
Identifiers: ClinVar variation 4857675 (VCV004857675.1).